The following is an entry in ClinVar:

NM_032444.4(SLX4):c.*98A>G

Gene: SLX4 (SLX4 structure-specific endonuclease subunit; minus strand). Cytogenetic location: 16p13.3.
Variant type: single nucleotide variant.
Coding change: c.*98A>G on transcript NM_032444.4 (MANE Select); 98 bases downstream of the stop codon, A replaced by G.
Molecular consequence: 3 prime UTR variant.
Genome position (GRCh38, 1-based): chr16:3,582,244, T>C on the plus strand (A>G on the coding strand, the complement: SLX4 is on the minus strand). VCF-style: chr16-3582244-T-C. GRCh37 (hg19) VCF-style: chr16-3632245-T-C.
Other names: c.*98A>G (LRG_503t1).
Identifiers: ClinVar variation 319142 (VCV000319142.6), dbSNP rs551538592, ClinGen allele CA10643578.

ClinVar aggregate classification (germline): Conflicting classifications of pathogenicity. Review status: criteria provided, conflicting classifications (1 of 4 stars). 2 submissions from 2 submitters: Uncertain significance (1); Likely benign (1). Last evaluated 2024-09-20.

Conditions:
Fanconi anemia complementation group P. Also called: SLX4-Related Fanconi Anemia. Identifiers: Orphanet 84, MedGen C3469542, MONDO:0013499, OMIM 613951.

Allele frequency attached by ClinVar (database versions not stated): gnomAD 0.00005 and 0.00009; TOPMed 0.00019; gnomAD exomes 0.00023; 1000 Genomes Project 30x 0.00078; 1000 Genomes Project 0.00080.
gnomAD v4.1: 207 of 1,009,340 alleles (0.021%); highest among the groups gnomAD compares: East Asian, 0.53%; no homozygotes.

Submissions (2):

3billion
Classification: Likely benign for Fanconi anemia complementation group P. Last evaluated: 2024-09-20. Review status: criteria provided, single submitter. Criteria: ACMG Guidelines, 2015. Collection method: clinical testing. Allele origin: germline. Affected: no.
Comment: The homozygous variant was found in patients diagnosed with another variant in a different gene, with no symptoms related to the gene containing the homozygous variant.

Illumina Laboratory Services, Illumina
Classification: Uncertain significance for Fanconi anemia complementation group P. Last evaluated: 2018-01-13. Review status: criteria provided, single submitter. Criteria: ICSL Variant Classification Criteria 13 December 2019. Collection method: clinical testing. Allele origin: germline.